The following is an entry in ClinVar:

ClinVar aggregate classification (germline): Pathogenic (1 of 4 stars; one submission).

Conditions:
Legius syndrome. Identifiers: Orphanet 137605, MedGen C1969623, MONDO:0012669, OMIM 611431. Disease mechanism: loss of function.

Submission:

Labcorp Genetics (formerly Invitae), Labcorp
Classification: Pathogenic for Legius syndrome. Last evaluated: 2022-02-09. Review status: criteria provided, single submitter. Criteria: Invitae Variant Classification Sherloc (09022015). Collection method: clinical testing. Allele origin: germline.
Comment: For these reasons, this variant has been classified as Pathogenic. This variant has not been reported in the literature in individuals affected with SPRED1-related conditions. This variant is not present in population databases (gnomAD no frequency). This sequence change creates a premature translational stop signal (p.Lys98Serfs*23) in the SPRED1 gene. It is expected to result in an absent or disrupted protein product. Loss-of-function variants in SPRED1 are known to be pathogenic (PMID: 17704776).

Literature cited by the submitters: PubMed 17704776.

NM_152594.3(SPRED1):c.291del (p.Lys98fs)

Gene: SPRED1 (sprouty related EVH1 domain containing 1; plus strand). Cytogenetic location: 15q14.
Variant type: Deletion.
Coding change: c.291del on transcript NM_152594.3 (MANE Select); coding-DNA position 291, one base deleted (G; older notation c.291delG).
Protein change: p.Lys98fs; shifts the reading frame from lysine 98.
Molecular consequence: frameshift variant.
Genome position (GRCh38, 1-based): chr15:38,322,324, G deleted. VCF-style (leftmost placement, unchanged base first): chr15-38322323-AG-A. GRCh37 (hg19) VCF-style: chr15-38614524-AG-A.
Other names: short protein forms K98fs.
Identifiers: ClinVar variation 2095798 (VCV002095798.4), dbSNP rs1595746804, ClinGen allele CA919534457.